The following is an entry in ClinVar:

NM_001330700.2(TOP2B):c.4138G>A (p.Asp1380Asn)

Gene: TOP2B (DNA topoisomerase II beta; minus strand). Cytogenetic location: 3p24.2.
Variant type: single nucleotide variant.
Coding change: c.4138G>A on transcript NM_001330700.2 (MANE Select); coding-DNA position 4138, G replaced by A.
Protein change: p.Asp1380Asn; replaces aspartic acid 1380 with asparagine.
Molecular consequence: missense variant.
Genome position (GRCh38, 1-based): chr3:25,607,331, C>T on the plus strand (G>A on the coding strand, the complement: TOP2B is on the minus strand). VCF-style: chr3-25607331-C-T. GRCh37 (hg19) VCF-style: chr3-25648822-C-T.
Other names: c.4123G>A, p.Asp1375Asn (NM_001068.3); c.4123G>A (NM_001068.2); short protein forms D1375N, D1380N.
Identifiers: ClinVar variation 1472095 (VCV001472095.9), dbSNP rs1702261198, ClinGen allele CA351892749.

ClinVar aggregate classification (germline): Uncertain significance. Review status: criteria provided, multiple submitters, no conflicts (2 of 4 stars). 2 submissions from 2 submitters: Uncertain significance (2). Last evaluated 2025-11-06.

Allele frequency attached by ClinVar (database versions not stated): TOPMed below 0.00001.
gnomAD v4.1: 2 of 1,552,290 alleles (0.00013%); highest among the groups gnomAD compares: Non-Finnish European, 0.00017%; no homozygotes.

Submissions (2):

Labcorp Genetics (formerly Invitae), Labcorp
Classification: Uncertain significance. Last evaluated: 2025-11-06. Review status: criteria provided, single submitter. Criteria: Invitae Variant Classification Sherloc (09022015). Collection method: clinical testing. Allele origin: germline.
Comment: This sequence change replaces aspartic acid, which is acidic and polar, with asparagine, which is neutral and polar, at codon 1375 of the TOP2B protein (p.Asp1375Asn). This variant is not present in population databases (gnomAD no frequency). This variant has not been reported in the literature in individuals affected with TOP2B-related conditions. ClinVar contains an entry for this variant (Variation ID: 1472095). An algorithm developed to predict the effect of missense changes on protein structure and function (PolyPhen-2) suggests that this variant is likely to be tolerated. In summary, the available evidence is currently insufficient to determine the role of this variant in disease. Therefore, it has been classified as a Variant of Uncertain Significance.

Ambry Genetics
Classification: Uncertain significance. Last evaluated: 2025-06-09. Review status: criteria provided, single submitter. Criteria: Ambry Variant Classification Scheme 2023. Collection method: clinical testing. Allele origin: germline.